The following is an entry in ClinVar:

ClinVar aggregate classification (germline): Uncertain significance (1 of 4 stars; one submission).

Conditions:
Inborn genetic diseases. Identifiers: MedGen C0950123, MeSH D030342.

Submission:

Ambry Genetics
Classification: Uncertain significance for Inborn genetic diseases. Last evaluated: 2025-08-23. Review status: criteria provided, single submitter. Criteria: Ambry Variant Classification Scheme 2023. Collection method: clinical testing. Allele origin: germline.
Comment: The p.T351N variant (also known as c.1052C>A), located in coding exon 3 of the MBD4 gene, results from a C to A substitution at nucleotide position 1052. The threonine at codon 351 is replaced by asparagine, an amino acid with similar properties. This amino acid position is conserved. In addition, this alteration is predicted to be tolerated by in silico analysis. Based on the available evidence, the clinical significance of this variant remains unclear.

NM_001276270.2(MBD4):c.1052C>A (p.Thr351Asn)

Gene: MBD4 (methyl-CpG binding domain 4, DNA glycosylase; minus strand). Cytogenetic location: 3q21.3.
Variant type: single nucleotide variant.
Coding change: c.1052C>A on transcript NM_001276270.2 (MANE Select); coding-DNA position 1052, C replaced by A.
Protein change: p.Thr351Asn; replaces threonine 351 with asparagine.
Molecular consequence: missense variant. On other transcripts: intron variant (1).
Genome position (GRCh38, 1-based): chr3:129,436,592, G>T on the plus strand (C>A on the coding strand, the complement: MBD4 is on the minus strand). VCF-style: chr3-129436592-G-T. GRCh37 (hg19) VCF-style: chr3-129155435-G-T.
Other names: c.1052C>A, p.Thr351Asn (NM_001276271.2, NM_001276272.2, NM_003925.3); c.247+1216C>A (NM_001276273.2); short protein forms T351N.
Identifiers: ClinVar variation 4104662 (VCV004104662.1).